The following is an entry in ClinVar:

ClinVar aggregate classification (germline): Conflicting classifications of pathogenicity. Review status: criteria provided, conflicting classifications (1 of 4 stars). 3 submissions from 3 submitters: Uncertain significance (2); Likely benign (1). Last evaluated 2023-10-17.

Conditions:
Hereditary cancer-predisposing syndrome. Also called: Hereditary neoplastic syndrome; Tumor predisposition; Neoplastic Syndromes, Hereditary; Hereditary Cancer Syndrome. Identifiers: Orphanet 140162, MedGen C0027672, MeSH D009386, MONDO:0015356.
Familial adenomatous polyposis 1 (FAP1). Also called: POLYPOSIS, ADENOMATOUS INTESTINAL; FAMILIAL ADENOMATOUS POLYPOSIS 1, ATTENUATED. Identifiers: MedGen C2713442, MONDO:0021056, OMIM 175100. Disease mechanism: loss of function.

Allele frequency attached by ClinVar (database versions not stated): ExAC 0.00001; gnomAD exomes 0.00001.
gnomAD v4.1: 3 of 1,614,142 alleles (0.00019%); highest among the groups gnomAD compares: South Asian, 0.0033%; no homozygotes.

Submissions (3):

Labcorp Genetics (formerly Invitae), Labcorp
Classification: Uncertain significance for Familial adenomatous polyposis 1. Last evaluated: 2023-10-17. Review status: criteria provided, single submitter. Criteria: Invitae Variant Classification Sherloc (09022015). Collection method: clinical testing. Allele origin: germline.
Comment: This sequence change replaces serine, which is neutral and polar, with cysteine, which is neutral and slightly polar, at codon 1202 of the APC protein (p.Ser1202Cys). This variant is present in population databases (rs753375023, gnomAD 0.003%). This variant has not been reported in the literature in individuals affected with APC-related conditions. ClinVar contains an entry for this variant (Variation ID: 570018). Advanced modeling of protein sequence and biophysical properties (such as structural, functional, and spatial information, amino acid conservation, physicochemical variation, residue mobility, and thermodynamic stability) performed at Invitae indicates that this missense variant is not expected to disrupt APC protein function. In summary, the available evidence is currently insufficient to determine the role of this variant in disease. Therefore, it has been classified as a Variant of Uncertain Significance.

Ambry Genetics
Classification: Likely benign for Hereditary cancer-predisposing syndrome. Last evaluated: 2022-07-26. Review status: criteria provided, single submitter. Criteria: Ambry Variant Classification Scheme 2023. Collection method: clinical testing. Allele origin: germline.

Color Diagnostics, LLC DBA Color Health
Classification: Uncertain significance for Hereditary cancer-predisposing syndrome. Last evaluated: 2019-07-29. Review status: criteria provided, single submitter. Criteria: ACMG Guidelines, 2015. Collection method: clinical testing. Allele origin: germline.
Comment: This missense variant replaces serine with cysteine at codon 1202 of the APC protein. Computational prediction tools and conservation analyses suggest that this variant may have deleterious impact on the protein function. Computational splicing tools suggest that this variant may not impact RNA splicing. To our knowledge, functional assays have not been performed for this variant nor has this variant been reported in individuals affected with hereditary cancer in the literature. This variant has been identified in 2/250596 chromosomes in the general population by the Genome Aggregation Database (gnomAD). Available evidence is insufficient to determine the role of this variant in disease conclusively. Therefore, this variant is classified as a Variant of Uncertain Significance.

NM_000038.6(APC):c.3605C>G (p.Ser1202Cys)

Gene: APC (APC regulator of Wnt signaling pathway; plus strand). Cytogenetic location: 5q22.2.
Variant type: single nucleotide variant.
Coding change: c.3605C>G on transcript NM_000038.6 (MANE Select); coding-DNA position 3605, C replaced by G.
Protein change: p.Ser1202Cys; replaces serine 1202 with cysteine.
Molecular consequence: missense variant.
Genome position (GRCh38, 1-based): chr5:112,839,199, C>G. VCF-style: chr5-112839199-C-G. GRCh37 (hg19) VCF-style: chr5-112174896-C-G.
Other names: c.3605C>G, p.Ser1202Cys (NM_001127510.3, NM_001354895.2); c.3551C>G, p.Ser1184Cys (NM_001127511.3); c.3659C>G, p.Ser1220Cys (NM_001354896.2); c.3635C>G, p.Ser1212Cys (NM_001354897.2); c.3530C>G, p.Ser1177Cys (NM_001354898.2); c.3521C>G, p.Ser1174Cys (NM_001354899.2); c.3482C>G, p.Ser1161Cys (NM_001354900.2); c.3428C>G, p.Ser1143Cys (NM_001354901.2); and 5 more; short protein forms S1202C, S1184C, S1101C, S1143C, S1161C, S1076C, S1111C, S1177C.
Identifiers: ClinVar variation 570018 (VCV000570018.15), dbSNP rs753375023, ClinGen allele CA035854.